The following is an entry in ClinVar:

NM_000465.4(BARD1):c.257_258del (p.Cys86fs)

Gene: BARD1 (BRCA1 associated RING domain 1; minus strand). Cytogenetic location: 2q35.
Variant type: Microsatellite.
Coding change: c.257_258del on transcript NM_000465.4 (MANE Select); coding-DNA positions 257 to 258, 2 bases deleted (GT; older notation c.257_258delGT).
Protein change: p.Cys86fs; shifts the reading frame from cysteine 86.
Molecular consequence: frameshift variant. On other transcripts: non-coding transcript variant (1), intron variant (2).
Genome position (GRCh38, 1-based): chr2:214,792,403-214,792,404, AC deleted on the plus strand (GT on the coding strand, the reverse complement: BARD1 is on the minus strand); deleting any 2 consecutive bases within chr2:214,792,403-214,792,408 gives the same sequence; the c. name uses the placement nearest the transcript's 3' end. VCF-style (leftmost placement, unchanged base first): chr2-214792402-AAC-A. GRCh37 (hg19) VCF-style: chr2-215657126-AAC-A.
Other names: c.200_201del, p.Cys67fs (NM_001282543.2); c.257_258del, p.Cys86fs (NM_001282549.2); c.158+17004GT[2] (NM_001282548.2); c.215+4653GT[2] (NM_001282545.2); short protein forms C86fs, C67fs.
Identifiers: ClinVar variation 1793235 (VCV001793235.2), dbSNP rs2469561564, ClinGen allele CA2580616691.

ClinVar aggregate classification (germline): Pathogenic (1 of 4 stars; one submission).

Conditions:
Hereditary cancer-predisposing syndrome. Also called: Tumor predisposition; Hereditary Cancer Syndrome; Neoplastic Syndromes, Hereditary; Hereditary neoplastic syndrome. Identifiers: Orphanet 140162, MedGen C0027672, MeSH D009386, MONDO:0015356.

Submission:

Ambry Genetics
Classification: Pathogenic for Hereditary cancer-predisposing syndrome. Last evaluated: 2022-03-17. Review status: criteria provided, single submitter. Criteria: Ambry Variant Classification Scheme 2023. Collection method: clinical testing. Allele origin: germline.
Comment: The c.257_258delGT pathogenic mutation, located in coding exon 3 of the BARD1 gene, results from a deletion of two nucleotides at nucleotide positions 257 to 258, causing a translational frameshift with a predicted alternate stop codon (p.C86Lfs*13). This variant is considered to be rare based on population cohorts in the Genome Aggregation Database (gnomAD). This alteration is expected to result in loss of function by premature protein truncation or nonsense-mediated mRNA decay. As such, this alteration is interpreted as a disease-causing mutation.